The following is an entry in ClinVar:

NM_000089.4(COL1A2):c.1710dup (p.Gly571fs)

Gene: COL1A2 (collagen type I alpha 2 chain; plus strand). Cytogenetic location: 7q21.3.
Variant type: Duplication.
Coding change: c.1710dup on transcript NM_000089.4 (MANE Select); coding-DNA position 1710, one base duplicated (A; older notation c.1710dupA).
Protein change: p.Gly571fs; shifts the reading frame from glycine 571.
Molecular consequence: frameshift variant.
Genome position (GRCh38, 1-based): chr7:94,414,266, A duplicated. VCF-style (leftmost placement, unchanged base first): chr7-94414265-C-CA. GRCh37 (hg19) VCF-style: chr7-94043577-C-CA.
Other names: c.1710dupA (NM_000089.3); short protein forms G571fs.
Identifiers: ClinVar variation 2090547 (VCV002090547.5), dbSNP rs2484716827, ClinGen allele CA2580078013.

ClinVar aggregate classification (germline): Conflicting classifications of pathogenicity. Review status: criteria provided, conflicting classifications (1 of 4 stars). 2 submissions from 2 submitters: Pathogenic (1); Uncertain significance (1). Last evaluated 2024-06-11.

Conditions:
Cardiovascular phenotype. Identifiers: MedGen CN230736.
Ehlers-Danlos syndrome, classic type, 1 (EDSCL1). Also called: EHLERS-DANLOS SYNDROME, GRAVIS TYPE; EHLERS-DANLOS SYNDROME, SEVERE CLASSIC TYPE; Ehlers-Danlos syndrome, type 1; EDS I; Ehlers-Danlos Syndrome, Classic Type, COL5A1-Related. Identifiers: MedGen C0268335, MONDO:0019567, OMIM 130000.
Osteogenesis imperfecta type I (OI1). Also called: OI, TYPE I; OSTEOGENESIS IMPERFECTA TARDA; OSTEOGENESIS IMPERFECTA WITH BLUE SCLERAE; Osteogenesis imperfecta type 1; Lobstein's Disease; Lobstein disease. Identifiers: Orphanet 216796, Orphanet 666, MedGen C0023931, MONDO:0008146, OMIM 166200. Disease mechanism: loss of function.

Submissions (2):

Ambry Genetics
Classification: Uncertain significance for Cardiovascular phenotype. Last evaluated: 2024-06-11. Review status: criteria provided, single submitter. Criteria: Ambry Variant Classification Scheme 2023. Collection method: clinical testing. Allele origin: germline.
Comment: The c.1710dupA variant, located in coding exon 29 of the COL1A2 gene, results from a duplication of A at nucleotide position 1710, causing a translational frameshift with a predicted alternate stop codon (p.G571Rfs*8). This variant is considered to be rare based on population cohorts in the Genome Aggregation Database (gnomAD). This alteration is expected to result in loss of function by premature protein truncation or nonsense-mediated mRNA decay. Although biallelic loss of function of COL1A2 has been associated with autosomal recessive COL1A2-related cardiac valvular type Ehlers-Danlos syndrome, haploinsufficiency of COL1A2 has not been established as a mechanism of disease for autosomal dominant COL1A2-related osteogenesis imperfecta/overlap disorders. Based on the supporting evidence, this variant is expected to be causative of autosomal recessive COL1A2-related cardiac valvular type Ehlers-Danlos syndrome when present along with a second pathogenic variant on the other allele; however, its clinical significance for autosomal dominant COL1A2-related osteogenesis imperfecta/overlap disorders is unclear.

Labcorp Genetics (formerly Invitae), Labcorp
Classification: Pathogenic for Osteogenesis imperfecta type I; Ehlers-Danlos syndrome, classic type, 1. Last evaluated: 2022-09-13. Review status: criteria provided, single submitter. Criteria: Invitae Variant Classification Sherloc (09022015). Collection method: clinical testing. Allele origin: germline.
Comment: This variant has not been reported in the literature in individuals affected with COL1A2-related conditions. For these reasons, this variant has been classified as Pathogenic. This variant is not present in population databases (gnomAD no frequency). This sequence change creates a premature translational stop signal (p.Gly571Argfs*8) in the COL1A2 gene. It is expected to result in an absent or disrupted protein product. Loss-of-function variants in COL1A2 are known to be pathogenic (PMID: 11288717, 15077201).

Literature cited by the submitters: PubMed 11288717 (cited by Labcorp Genetics (formerly Invitae), Labcorp); PubMed 15077201 (cited by Labcorp Genetics (formerly Invitae), Labcorp).